The following is an entry in ClinVar:

ClinVar aggregate classification (germline): Uncertain significance. Review status: criteria provided, multiple submitters, no conflicts (2 of 4 stars). 3 submissions from 3 submitters: Uncertain significance (2). 1 of the submissions does not count toward it. Last evaluated 2024-02-13.

Conditions:
Inborn genetic diseases. Identifiers: MedGen C0950123, MeSH D030342.
DOCK6-related disorder. Also called: DOCK6-related condition.

gnomAD v4.1: 16 of 1,584,230 alleles (0.001%); highest among the groups gnomAD compares: East Asian, 0.028%; no homozygotes.

Submissions (3):

Ambry Genetics
Classification: Uncertain significance for Inborn genetic diseases. Last evaluated: 2024-02-13. Review status: criteria provided, single submitter. Criteria: Ambry Variant Classification Scheme 2023. Collection method: clinical testing. Allele origin: germline.

Labcorp Genetics (formerly Invitae), Labcorp
Classification: Uncertain significance. Last evaluated: 2022-11-02. Review status: criteria provided, single submitter. Criteria: Invitae Variant Classification Sherloc (09022015). Collection method: clinical testing. Allele origin: germline.
Comment: Advanced modeling of protein sequence and biophysical properties (such as structural, functional, and spatial information, amino acid conservation, physicochemical variation, residue mobility, and thermodynamic stability) performed at Invitae indicates that this missense variant is not expected to disrupt DOCK6 protein function. This sequence change replaces arginine, which is basic and polar, with leucine, which is neutral and non-polar, at codon 151 of the DOCK6 protein (p.Arg151Leu). The frequency data for this variant in the population databases is considered unreliable, as metrics indicate poor data quality at this position in the gnomAD database. This variant has not been reported in the literature in individuals affected with DOCK6-related conditions. Algorithms developed to predict the effect of sequence changes on RNA splicing suggest that this variant may create or strengthen a splice site. In summary, the available evidence is currently insufficient to determine the role of this variant in disease. Therefore, it has been classified as a Variant of Uncertain Significance.

PreventionGenetics, part of Exact Sciences
Classification: Uncertain significance for DOCK6-related condition. Last evaluated: 2024-03-21. Review status: no assertion criteria provided. Collection method: clinical testing. Allele origin: germline. Not counted in ClinVar's aggregate classification.
Comment: The DOCK6 c.452G>T variant is predicted to result in the amino acid substitution p.Arg151Leu. To our knowledge, this variant has not been reported in the literature. This variant is reported in 0.056% of alleles in individuals of East Asian descent in gnomAD. At this time, the clinical significance of this variant is uncertain due to the absence of conclusive functional and genetic evidence.

NM_020812.4(DOCK6):c.452G>T (p.Arg151Leu)

Gene: DOCK6 (dedicator of cytokinesis 6; minus strand). Cytogenetic location: 19p13.2.
Variant type: single nucleotide variant.
Coding change: c.452G>T on transcript NM_020812.4 (MANE Select); coding-DNA position 452, G replaced by T.
Protein change: p.Arg151Leu; replaces arginine 151 with leucine.
Molecular consequence: missense variant.
Genome position (GRCh38, 1-based): chr19:11,252,174, C>A on the plus strand (G>T on the coding strand, the complement: DOCK6 is on the minus strand). VCF-style: chr19-11252174-C-A. GRCh37 (hg19) VCF-style: chr19-11362850-C-A.
Other names: c.452G>T, p.Arg151Leu (NM_001367830.1); c.452G>T (NM_020812.2, NM_020812.3); short protein forms R151L.
Identifiers: ClinVar variation 2191426 (VCV002191426.5), dbSNP rs374746195, ClinGen allele CA9208486.
Genomic context (GRCh38, chr19:11,252,174, plus strand): 5'-CTCACCGAGTCCTCAGGGCCGGACCTCTCGTCTCCAGAAGCATCCTGCTCAAAGACCTGG[C>A]GGGGGAGGCCCTTCTGTCGCTCCCGCTGTGTGTCTGTGGTGACGGGGCTGTATGCTGCAC-3'
Protein context (NP_065863.2, residues 141-161): TQRERQKGLP[Arg151Leu]QVFEQDASGD